The following is an entry in ClinVar:

NM_152419.3(HGSNAT):c.28del (p.Ala10fs)

Genes: HGSNAT (heparan-alpha-glucosaminide N-acetyltransferase; plus strand), LOC130000316 (ATAC-STARR-seq lymphoblastoid silent region 19164; plus strand). Cytogenetic location: 8p11.21.
Variant type: Deletion.
Coding change: c.28del on transcript NM_152419.3 (MANE Select); coding-DNA position 28, one base deleted (G; older notation c.28delG).
Protein change: p.Ala10fs; shifts the reading frame from alanine 10.
Molecular consequence: frameshift variant. On other transcripts: 5 prime UTR variant (1).
Genome position (GRCh38, 1-based): chr8:43,140,524, G deleted. VCF-style (leftmost placement, unchanged base first): chr8-43140523-CG-C. GRCh37 (hg19) VCF-style: chr8-42995666-CG-C.
Other names: c.28del, p.Ala10fs (NM_001363227.2, NM_001363228.2); c.-806del (NM_001363229.2); short protein forms A10fs.
Identifiers: ClinVar variation 4816869 (VCV004816869.1).

ClinVar aggregate classification (germline): Likely pathogenic (1 of 4 stars; one submission).

Conditions:
Mucopolysaccharidosis, MPS-III-C (MPS3C). Also called: MPS IIIC (Sanfilippo Syndrome Type C); SANFILIPPO SYNDROME C; MPS III C; Mucopolysaccharidosis type IIIC (Sanfilippo C); MUCOPOLYSACCHARIDOSIS, TYPE IIIC; mucopolysaccharidosis type 3C. Identifiers: Orphanet 581, Orphanet 79271, MedGen C0086649, MONDO:0009657, OMIM 252930.

Submission:

Natera, Inc.
Classification: Likely pathogenic for Mucopolysaccharidosis type IIIC. Last evaluated: 2025-09-23. Review status: criteria provided, single submitter. Criteria: Natera Variant Classification Schema (03/2026). Collection method: clinical testing. Allele origin: germline.
Comment: The c.28del variant in HGSNAT is a frameshift variant predicted to shift the reading frame beginning at codon 10 and leads to a stop codon 9 codons downstream. This variant is expected to result in nonsense mediated decay, truncation, or a dysfunctional protein product. This variant is rare in the general population with a frequency below the threshold expected for the associated phenotype(s). Given the available evidence, this variant is classified as Likely Pathogenic.